The following is an entry in ClinVar:

ClinVar aggregate classification (germline): Uncertain significance. Review status: criteria provided, multiple submitters, no conflicts (2 of 4 stars). 2 submissions from 2 submitters: Uncertain significance (2). Last evaluated 2022-05-12.

Conditions:
Ullrich congenital muscular dystrophy 2 (UCMD2). Identifiers: Orphanet 75840, MedGen C4225314, MONDO:0014654, OMIM 616470.
Bethlem myopathy 2 (BTHLM2). Identifiers: Orphanet 536516, Orphanet 610, MedGen C4225313, MONDO:0034022, OMIM 616471.

Allele frequency attached by ClinVar (database versions not stated): ExAC 0.00001; gnomAD exomes below 0.00001; TOPMed below 0.00001.
gnomAD v4.1: 2 of 1,557,292 alleles (0.00013%); highest among the groups gnomAD compares: South Asian, 0.0024%; no homozygotes.

Submissions (2):

Labcorp Genetics (formerly Invitae), Labcorp
Classification: Uncertain significance for Bethlem myopathy 2; Ullrich congenital muscular dystrophy 2. Last evaluated: 2022-05-12. Review status: criteria provided, single submitter. Criteria: Invitae Variant Classification Sherloc (09022015). Collection method: clinical testing. Allele origin: germline.
Comment: In summary, the available evidence is currently insufficient to determine the role of this variant in disease. Therefore, it has been classified as a Variant of Uncertain Significance. Algorithms developed to predict the effect of missense changes on protein structure and function (SIFT, PolyPhen-2, Align-GVGD) all suggest that this variant is likely to be tolerated. This variant has not been reported in the literature in individuals affected with COL12A1-related conditions. The frequency data for this variant in the population databases is considered unreliable, as metrics indicate poor data quality at this position in the gnomAD database. This sequence change replaces histidine, which is basic and polar, with tyrosine, which is neutral and polar, at codon 2652 of the COL12A1 protein (p.His2652Tyr).

Revvity Omics, Revvity
Classification: Uncertain significance. Last evaluated: 2022-03-11. Review status: criteria provided, single submitter. Criteria: ACMG Guidelines, 2015. Collection method: clinical testing. Allele origin: germline.

NM_004370.6(COL12A1):c.7954C>T (p.His2652Tyr)

Gene: COL12A1 (collagen type XII alpha 1 chain; minus strand). Cytogenetic location: 6q13.
Variant type: single nucleotide variant.
Coding change: c.7954C>T on transcript NM_004370.6 (MANE Select); coding-DNA position 7954, C replaced by T.
Protein change: p.His2652Tyr; replaces histidine 2652 with tyrosine.
Molecular consequence: missense variant.
Genome position (GRCh38, 1-based): chr6:75,109,164, G>A on the plus strand (C>T on the coding strand, the complement: COL12A1 is on the minus strand). VCF-style: chr6-75109164-G-A. GRCh37 (hg19) VCF-style: chr6-75818880-G-A.
Other names: c.4462C>T, p.His1488Tyr (NM_080645.3); short protein forms H1488Y, H2652Y.
Identifiers: ClinVar variation 2163487 (VCV002163487.7), dbSNP rs759690064, ClinGen allele CA3892403.
Genomic context (GRCh38, chr6:75,109,164, plus strand): 5'-TTTCTATAATTTCATAGCAGTCAATGTAAATCTTAACACTTTTTGAGGTCACTACAATAT[G>A]AACCTAAAAAGATAATTTGTTTCCATTATAAAATTTCTACACTAAAAAAATTAGCTGACT-3'
Protein context (NP_004361.3, residues 2642-2662): TLFYGSFHKV[His2652Tyr]IVVTSKSVKI